The following is an entry in ClinVar:

ClinVar aggregate classification (germline): Uncertain significance. Review status: criteria provided, multiple submitters, no conflicts (2 of 4 stars). 3 submissions from 3 submitters: Uncertain significance (3). Last evaluated 2025-08-03.

Conditions:
Distal myopathy with posterior leg and anterior hand involvement. Also called: WILLIAMS DISTAL MYOPATHY. Identifiers: Orphanet 63273, MedGen C3279722, MONDO:0013550, OMIM 614065.
Hypertrophic cardiomyopathy 26. Also called: Cardiomyopathy, familial hypertrophic, 26. Identifiers: Orphanet 75249, MedGen C4310749, MONDO:0014883, OMIM 617047.
Myofibrillar myopathy 5. Also called: Filaminopathy (type); FILAMINOPATHY, AUTOSOMAL DOMINANT. Identifiers: Orphanet 171445, MedGen C1836050, MONDO:0012289, OMIM 609524.
Cardiovascular phenotype. Identifiers: MedGen CN230736.

gnomAD v4.1: 3 of 1,613,440 alleles (0.00019%); highest among the groups gnomAD compares: Non-Finnish European, 0.00025%; no homozygotes.

Submissions (3):

Labcorp Genetics (formerly Invitae), Labcorp
Classification: Uncertain significance for Distal myopathy with posterior leg and anterior hand involvement; Myofibrillar myopathy 5; Hypertrophic cardiomyopathy 26. Last evaluated: 2025-08-03. Review status: criteria provided, single submitter. Criteria: Invitae Variant Classification Sherloc (09022015). Collection method: clinical testing. Allele origin: germline.
Comment: This sequence change replaces isoleucine, which is neutral and non-polar, with valine, which is neutral and non-polar, at codon 1822 of the FLNC protein (p.Ile1822Val). This variant is not present in population databases (gnomAD no frequency). This variant has not been reported in the literature in individuals affected with FLNC-related conditions. ClinVar contains an entry for this variant (Variation ID: 1747683). Invitae Evidence Modeling of protein sequence and biophysical properties (such as structural, functional, and spatial information, amino acid conservation, physicochemical variation, residue mobility, and thermodynamic stability) has been performed for this missense variant. However, the output from this modeling did not meet the statistical confidence thresholds required to predict the impact of this variant on FLNC protein function. In summary, the available evidence is currently insufficient to determine the role of this variant in disease. Therefore, it has been classified as a Variant of Uncertain Significance.

Ambry Genetics
Classification: Uncertain significance for Cardiovascular phenotype. Last evaluated: 2024-10-27. Review status: criteria provided, single submitter. Criteria: Ambry Variant Classification Scheme 2023. Collection method: clinical testing. Allele origin: germline.
Comment: The p.I1822V variant (also known as c.5464A>G), located in coding exon 33 of the FLNC gene, results from an A to G substitution at nucleotide position 5464. The isoleucine at codon 1822 is replaced by valine, an amino acid with highly similar properties. This amino acid position is not well conserved in available vertebrate species, and valine is the reference amino acid in other vertebrate species. In addition, this alteration is predicted to be tolerated by in silico analysis. Since supporting evidence is limited at this time, the clinical significance of this alteration remains unclear.

Revvity Omics, Revvity
Classification: Uncertain significance. Last evaluated: 2024-09-13. Review status: criteria provided, single submitter. Criteria: ACMG Guidelines, 2015. Collection method: clinical testing. Allele origin: germline.

NM_001458.5(FLNC):c.5464A>G (p.Ile1822Val)

Genes: FLNC-AS1 (FLNC antisense RNA 1; minus strand), FLNC (filamin C; plus strand). Cytogenetic location: 7q32.1.
Variant type: single nucleotide variant.
Coding change: c.5464A>G on transcript NM_001458.5 (MANE Select); coding-DNA position 5464, A replaced by G.
Protein change: p.Ile1822Val; replaces isoleucine 1822 with valine.
Molecular consequence: missense variant.
Genome position (GRCh38, 1-based): chr7:128,850,868, A>G. VCF-style: chr7-128850868-A-G. GRCh37 (hg19) VCF-style: chr7-128490922-A-G.
Other names: c.5365A>G, p.Ile1789Val (NM_001127487.2); short protein forms I1822V, I1789V.
Identifiers: ClinVar variation 1747683 (VCV001747683.7), dbSNP rs988505839, ClinGen allele CA166188157.